The following is an entry in ClinVar:

ClinVar aggregate classification (germline): Uncertain significance (1 of 4 stars; one submission).

Conditions:
Autoinflammatory disease, multisystem, with immune dysregulation, X-linked (ADMIDX). Identifiers: MedGen C5829577, MONDO:0957494, OMIM 301109.

Submission:

Victorian Clinical Genetics Services, Murdoch Childrens Research Institute
Classification: Uncertain significance for Autoinflammatory disease, multisystem, with immune dysregulation, X-linked. Last evaluated: 2025-08-11. Review status: criteria provided, single submitter. Criteria: ACMG Guidelines, 2015. Collection method: clinical testing. Allele origin: germline. Affected: yes.
Comment: This variant is classified as VUS-3A. Evidence in support of pathogenic classification: Variant is absent from gnomAD (v2, v3 and v4). Additional information: Variant is predicted to result in a missense amino acid change from Leu to Pro; This variant is hemizygous; This gene is associated with X-linked recessive disease; This variant has no previous evidence of pathogenicity; No published evidence of segregation with disease has been identified for this variant; No published functional evidence has been identified for this variant; No comparable missense variants have previous evidence for pathogenicity; Variant is located in the annotated ARM repeats domain (PMID: 36952639); Missense variant with inconclusive in silico prediction and uninformative conservation; Loss of function is a known mechanism of disease in this gene and is associated with autoinflammatory disease, multisystem, with immune dysregulation, X-linked (MIM#301109); Variants in this gene are known to have variable expressivity (PMID: 36952639).

Literature cited by the submitters: PubMed 36952639.

NM_144658.4(DOCK11):c.4019T>C (p.Leu1340Pro)

Gene: DOCK11 (dedicator of cytokinesis 11; plus strand). Cytogenetic location: Xq24.
Variant type: single nucleotide variant.
Coding change: c.4019T>C on transcript NM_144658.4 (MANE Select); coding-DNA position 4019, T replaced by C.
Protein change: p.Leu1340Pro; replaces leucine 1340 with proline.
Molecular consequence: missense variant.
Genome position (GRCh38, 1-based): chrX:118,639,452, T>C. VCF-style: chrX-118639452-T-C. GRCh37 (hg19) VCF-style: chrX-117773415-T-C.
Other names: short protein forms L1340P.
Identifiers: ClinVar variation 4532152 (VCV004532152.1).